The following is an entry in ClinVar:

ClinVar aggregate classification (germline): Uncertain significance. Review status: criteria provided, multiple submitters, no conflicts (2 of 4 stars). 2 submissions from 2 submitters: Uncertain significance (2). Last evaluated 2025-12-13.

Conditions:
Inborn genetic diseases. Identifiers: MedGen C0950123, MeSH D030342.

Allele frequency attached by ClinVar (database versions not stated): gnomAD 0.00001; TOPMed 0.00001.
gnomAD v4.1: 2 of 1,614,110 alleles (0.00012%); highest among the groups gnomAD compares: African/African-American, 0.0027%; no homozygotes.

Submissions (2):

Labcorp Genetics (formerly Invitae), Labcorp
Classification: Uncertain significance. Last evaluated: 2025-12-13. Review status: criteria provided, single submitter. Criteria: Invitae Variant Classification Sherloc (09022015). Collection method: clinical testing. Allele origin: germline.
Comment: This sequence change replaces glutamic acid, which is acidic and polar, with glycine, which is neutral and non-polar, at codon 455 of the CACNA1D protein (p.Glu455Gly). This variant is not present in population databases (gnomAD no frequency). This variant has not been reported in the literature in individuals affected with CACNA1D-related conditions. ClinVar contains an entry for this variant (Variation ID: 2535318). An algorithm developed to predict the effect of missense changes on protein structure and function (PolyPhen-2) suggests that this variant is likely to be disruptive. In summary, the available evidence is currently insufficient to determine the role of this variant in disease. Therefore, it has been classified as a Variant of Uncertain Significance.

Ambry Genetics
Classification: Uncertain significance for Inborn genetic diseases. Last evaluated: 2023-04-07. Review status: criteria provided, single submitter. Criteria: Ambry Variant Classification Scheme 2023. Collection method: clinical testing. Allele origin: germline.

NM_001128840.3(CACNA1D):c.1364A>G (p.Glu455Gly)

Gene: CACNA1D (calcium voltage-gated channel subunit alpha1 D; plus strand). Cytogenetic location: 3p21.1.
Variant type: single nucleotide variant.
Coding change: c.1364A>G on transcript NM_001128840.3 (MANE Select); coding-DNA position 1364, A replaced by G.
Protein change: p.Glu455Gly; replaces glutamic acid 455 with glycine.
Molecular consequence: missense variant.
Genome position (GRCh38, 1-based): chr3:53,702,784, A>G. VCF-style: chr3-53702784-A-G. GRCh37 (hg19) VCF-style: chr3-53736811-A-G.
Other names: c.1364A>G, p.Glu455Gly (NM_000720.4, NM_001128839.3); short protein forms E455G.
Identifiers: ClinVar variation 2535318 (VCV002535318.3), dbSNP rs1265710090, ClinGen allele CA353384568.
Genomic context (GRCh38, chr3:53,702,784, plus strand): 5'-TAAAGGGCTACTTGGATTGGATCACCCAAGCTGAGGACATCGATCCGGAGAATGAGGAAG[A>G]AGGAGGAGAGGAAGGCAAACGAAATAGTATGTAGCGCCTTTCCTGCCCCTGGCTAGACAG-3'
Protein context (NP_001122312.1, residues 445-465): AEDIDPENEE[Glu455Gly]GGEEGKRNTS